The following is an entry in ClinVar:

NM_000065.5(C6):c.719G>A (p.Gly240Asp)

Gene: C6 (complement C6; minus strand). Cytogenetic location: 5p13.1.
Variant type: single nucleotide variant.
Coding change: c.719G>A on transcript NM_000065.5 (MANE Select); coding-DNA position 719, G replaced by A.
Protein change: p.Gly240Asp; replaces glycine 240 with aspartic acid.
Molecular consequence: missense variant.
Genome position (GRCh38, 1-based): chr5:41,186,077, C>T on the plus strand (G>A on the coding strand, the complement: C6 is on the minus strand). VCF-style: chr5-41186077-C-T. GRCh37 (hg19) VCF-style: chr5-41186179-C-T.
Other names: c.719G>A, p.Gly240Asp (NM_001115131.4); short protein forms G240D.
Identifiers: ClinVar variation 1506090 (VCV001506090.8), dbSNP rs143027872, ClinGen allele CA3252689.

ClinVar aggregate classification (germline): Uncertain significance (1 of 4 stars; one submission).

Allele frequency attached by ClinVar (database versions not stated): gnomAD exomes below 0.00001; gnomAD 0.00001; ExAC 0.00002; 1000 Genomes Project 30x 0.00031; 1000 Genomes Project 0.00040.
gnomAD v4.1: 5 of 1,613,964 alleles (0.00031%); highest among the groups gnomAD compares: African/African-American, 0.0027%; no homozygotes.

Submission:

Labcorp Genetics (formerly Invitae), Labcorp
Classification: Uncertain significance. Last evaluated: 2021-01-31. Review status: criteria provided, single submitter. Criteria: Invitae Variant Classification Sherloc (09022015). Collection method: clinical testing. Allele origin: germline.
Comment: In summary, the available evidence is currently insufficient to determine the role of this variant in disease. Therefore, it has been classified as a Variant of Uncertain Significance. Algorithms developed to predict the effect of missense changes on protein structure and function (SIFT, PolyPhen-2, Align-GVGD) all suggest that this variant is likely to be tolerated, but these predictions have not been confirmed by published functional studies and their clinical significance is uncertain. This variant has not been reported in the literature in individuals with C6-related conditions. This variant is present in population databases (rs143027872, ExAC 0.02%). This sequence change replaces glycine with aspartic acid at codon 240 of the C6 protein (p.Gly240Asp). The glycine residue is weakly conserved and there is a moderate physicochemical difference between glycine and aspartic acid.